The following is an entry in ClinVar:

NM_001972.4(ELANE):c.355G>A (p.Val119Met)

Gene: ELANE (elastase, neutrophil expressed; plus strand). Cytogenetic location: 19p13.3.
Variant type: single nucleotide variant.
Coding change: c.355G>A on transcript NM_001972.4 (MANE Select); coding-DNA position 355, G replaced by A.
Protein change: p.Val119Met; replaces valine 119 with methionine.
Molecular consequence: missense variant.
Genome position (GRCh38, 1-based): chr19:853,392, G>A. VCF-style: chr19-853392-G-A. GRCh37 (hg19) VCF-style: chr19-853392-G-A.
Other names: short protein forms V119M.
Identifiers: ClinVar variation 4618421 (VCV004618421.1).
Genomic context (GRCh38, chr19:853,392, plus strand): 5'-TTCGCCGTGCAGCGCATCTTCGAAAACGGCTACGACCCCGTAAACTTGCTCAACGACATC[G>A]TGATTCTCCAGGTGCCGCCGGGCGGGGCGGGGGGCGCAGGGGCGGAGGCCAGAGGCCTGG-3'
Protein context (NP_001963.1, residues 109-129): YDPVNLLNDI[Val119Met]ILQLNGSATI

ClinVar aggregate classification (germline): Uncertain significance (1 of 4 stars; one submission).

Conditions:
Inborn genetic diseases. Identifiers: MedGen C0950123, MeSH D030342.

gnomAD v4.1: 2 of 1,609,144 alleles (0.00012%); highest among the groups gnomAD compares: African/African-American, 0.0013%; no homozygotes.

Submission:

Ambry Genetics
Classification: Uncertain significance for Inborn genetic diseases. Last evaluated: 2025-11-17. Review status: criteria provided, single submitter. Criteria: Ambry Variant Classification Scheme 2023. Collection method: clinical testing. Allele origin: germline.
Comment: The p.V119M variant (also known as c.355G>A), located in coding exon 3 of the ELANE gene, results from a G to A substitution at nucleotide position 355. The valine at codon 119 is replaced by methionine, an amino acid with highly similar properties. This amino acid position is conserved. In addition, the in silico prediction for this alteration is inconclusive. Based on the available evidence, the clinical significance of this variant remains unclear.